The following is an entry in ClinVar:

NM_001793.6(CDH3):c.292T>C (p.Ser98Pro)

Gene: CDH3 (cadherin 3; plus strand). Cytogenetic location: 16q22.1.
Variant type: single nucleotide variant.
Coding change: c.292T>C on transcript NM_001793.6 (MANE Select); coding-DNA position 292, T replaced by C.
Protein change: p.Ser98Pro; replaces serine 98 with proline.
Molecular consequence: missense variant.
Genome position (GRCh38, 1-based): chr16:68,678,179, T>C. VCF-style: chr16-68678179-T-C. GRCh37 (hg19) VCF-style: chr16-68712082-T-C.
Other names: c.292T>C, p.Ser98Pro (NM_001317195.3); c.127T>C, p.Ser43Pro (NM_001317196.2); c.292T>C (NM_001793.4); short protein forms S98P, S43P.
Identifiers: ClinVar variation 2132818 (VCV002132818.6), dbSNP rs373545976, ClinGen allele CA283271768.

ClinVar aggregate classification (germline): Uncertain significance. Review status: criteria provided, multiple submitters, no conflicts (2 of 4 stars). 2 submissions from 2 submitters: Uncertain significance (2). Last evaluated 2023-02-14.

Conditions:
Inborn genetic diseases. Identifiers: MedGen C0950123, MeSH D030342.

Allele frequency attached by ClinVar (database versions not stated): TOPMed 0.00001; ESP Exome Variant Server 0.00008.

Submissions (2):

Ambry Genetics
Classification: Uncertain significance for Inborn genetic diseases. Last evaluated: 2023-02-14. Review status: criteria provided, single submitter. Criteria: Ambry Variant Classification Scheme 2023. Collection method: clinical testing. Allele origin: germline.

Labcorp Genetics (formerly Invitae), Labcorp
Classification: Uncertain significance. Last evaluated: 2022-05-03. Review status: criteria provided, single submitter. Criteria: Invitae Variant Classification Sherloc (09022015). Collection method: clinical testing. Allele origin: germline.
Comment: This sequence change replaces serine, which is neutral and polar, with proline, which is neutral and non-polar, at codon 98 of the CDH3 protein (p.Ser98Pro). In summary, the available evidence is currently insufficient to determine the role of this variant in disease. Therefore, it has been classified as a Variant of Uncertain Significance. Algorithms developed to predict the effect of missense changes on protein structure and function output the following: SIFT: "Not Available"; PolyPhen-2: "Benign"; Align-GVGD: "Not Available". The proline amino acid residue is found in multiple mammalian species, which suggests that this missense change does not adversely affect protein function. This variant has not been reported in the literature in individuals affected with CDH3-related conditions. This variant is not present in population databases (gnomAD no frequency).